The following is an entry in ClinVar:

ClinVar aggregate classification (germline): Benign. Review status: criteria provided, single submitter (1 of 4 stars). 2 submissions from 2 submitters: Benign (1). 1 of the submissions does not count toward it. Last evaluated 2026-01-15.

Conditions:
ELOVL1-related disorder. Also called: ELOVL1-related condition.

Allele frequency attached by ClinVar (database versions not stated): 1000 Genomes Project 30x 0.00109; 1000 Genomes Project 0.00120.

Submissions (2):

Labcorp Genetics (formerly Invitae), Labcorp
Classification: Benign. Last evaluated: 2026-01-15. Review status: criteria provided, single submitter. Criteria: Invitae Variant Classification Sherloc (09022015). Collection method: clinical testing. Allele origin: germline.

PreventionGenetics, part of Exact Sciences
Classification: Likely benign for ELOVL1-related condition. Last evaluated: 2022-03-16. Review status: no assertion criteria provided. Collection method: clinical testing. Allele origin: germline. Not counted in ClinVar's aggregate classification.
Comment: This variant is classified as likely benign based on ACMG/AMP sequence variant interpretation guidelines (Richards et al. 2015 PMID: 25741868, with internal and published modifications).

NM_022821.4(ELOVL1):c.46+8G>C

Gene: ELOVL1 (ELOVL fatty acid elongase 1; minus strand). Cytogenetic location: 1p34.2.
Variant type: single nucleotide variant.
Coding change: c.46+8G>C on transcript NM_022821.4 (MANE Select); 8 bases into the intron after coding-DNA position 46, G replaced by C.
Molecular consequence: intron variant.
Genome position (GRCh38, 1-based): chr1:43,365,556, C>G on the plus strand (G>C on the coding strand, the complement: ELOVL1 is on the minus strand). VCF-style: chr1-43365556-C-G. GRCh37 (hg19) VCF-style: chr1-43831227-C-G.
Other names: c.-7+8G>C (NM_001256402.2); c.46+8G>C (NM_001256401.2, NM_001256399.2).
Identifiers: ClinVar variation 3049734 (VCV003049734.4), dbSNP rs199764420, ClinGen allele CA807726.
Genomic context (GRCh38, chr1:43,365,556, plus strand): 5'-AGAAGACAGCCGTAGATCCAGGGATCCCGGGAAAGAAGGAAGGAAAGGGCTGGTGGATAG[C>G]GTCTTACCTGCGTGCTTCATCACCTCTTGGTACAAGTTCACAACAGCCTCCATCCTGGCT-3'